The following is an entry in ClinVar:

NM_000059.4(BRCA2):c.7007+1G>T

Gene: BRCA2 (BRCA2 DNA repair associated; plus strand). Cytogenetic location: 13q13.1.
Variant type: single nucleotide variant.
Coding change: c.7007+1G>T on transcript NM_000059.4 (MANE Select); the canonical splice donor site of the intron after coding-DNA position 7007, G replaced by T.
Molecular consequence: splice donor variant.
Genome position (GRCh38, 1-based): chr13:32,346,897, G>T. VCF-style: chr13-32346897-G-T. GRCh37 (hg19) VCF-style: chr13-32921034-G-T.
Other names: c.7007+1G>T (NM_001406720.1); c.6911+1G>T (NM_001406719.1); c.2075+1G>T (NM_001406721.1); c.590+1G>T (NM_001406722.1).
Identifiers: ClinVar variation 52238 (VCV000052238.7), dbSNP rs397507891, ClinGen allele CA024704.

ClinVar aggregate classification (germline): Pathogenic/Likely pathogenic. Review status: criteria provided, multiple submitters, no conflicts (2 of 4 stars). 3 submissions from 3 submitters: Pathogenic (1); Likely pathogenic (2). Last evaluated 2023-06-06.

Conditions:
Hereditary breast ovarian cancer syndrome. Also called: Hereditary breast and ovarian cancer syndrome; Hereditary breast and ovarian cancer; Hereditary breast and ovarian cancer syndrome (HBOC); Breast and ovarian cancer; Hereditary breast and/or ovarian cancer syndrome; BRCA1- and BRCA2-Associated Hereditary Breast and Ovarian Cancer. Identifiers: Orphanet 145, MedGen C0677776, MeSH D061325, MONDO:0003582. Disease mechanism: loss of function.
Breast-ovarian cancer, familial, susceptibility to, 2 (BROVCA2). Also called: BRCA2 Hereditary Breast and Ovarian Cancer. Identifiers: Orphanet 145, MedGen C2675520, MONDO:0012933, OMIM 612555. Disease mechanism: loss of function.

Submissions (3):

KCCC/NGS Laboratory, Kuwait Cancer Control Center
Classification: Likely pathogenic for Breast-ovarian cancer, familial, susceptibility to, 2. Last evaluated: 2023-06-06. Review status: criteria provided, single submitter. Criteria: ACMG Guidelines, 2015. Collection method: clinical testing. Allele origin: germline. Affected: yes.
Comment: A likely pathogenic variant was detected in the BRCA2 gene in this specimen. BRCA2 c.7007+1G>T is located in a canonical splice-site and is predicted to affect mRNA splicing resulting in a significantly altered protein due to either exon skipping, shortening, or inclusion of intronic material. In-silico predictions show a significant impact on normal splicing: Pathogenic computational verdict based on 6 pathogenic predictions from BayesDel_addAF, DANN, EIGEN, FATHMM-MKL, MutationTaster and scSNV-Splicing vs no benign predictions. The variant was not found in gnomAD. c.7007+1G>T has been reported in the literature in one individual affected with breast cancer (Meindl_2002). ClinVar has an entry for this variant (52238) with two submitters cites the variant as pathogenic and likely pathogenic, two stars, no conflict. Therefore, the variant was classified as likely pathogenic.

Women's Health and Genetics/Laboratory Corporation of America, LabCorp
Classification: Likely pathogenic for Hereditary breast and ovarian cancer syndrome. Last evaluated: 2020-03-13. Review status: criteria provided, single submitter. Criteria: LabCorp Variant Classification Summary - May 2015. Collection method: clinical testing. Allele origin: germline.
Comment: Variant summary: BRCA2 c.7007+1G>T is located in a canonical splice-site and is predicted to affect mRNA splicing resulting in a significantly altered protein due to either exon skipping, shortening, or inclusion of intronic material. Several computational tools predict a significant impact on normal splicing: Four predict the variant abolishes a 5 splicing donor site. However, these predictions have yet to be confirmed by functional studies. The variant was absent in 247222 control chromosomes (gnomAD). c.7007+1G>T has been reported in the literature in one individual affected with breast cancer (Meindl_2002). These data indicate that the variant is very likely to be associated with disease. To our knowledge, no experimental evidence demonstrating an impact on protein function has been reported. One ClinVar submitter (evaluation after 2014) cites the variant as pathogenic. Based on the evidence outlined above, the variant was classified as likely pathogenic.

GeneDx
Classification: Pathogenic. Last evaluated: 2016-10-03. Review status: criteria provided, single submitter. Criteria: GeneDx Variant Classification (06012015). Collection method: clinical testing. Allele origin: germline. Affected: yes.
Comment: This variant is denoted BRCA2 c.7007+1G>T or IVS13+1G>T and consists of a G>T nucleotide substitution at the +1 position of intron 13 of the BRCA2 gene. Using alternate nomenclature, this variant would be defined as BRCA2 7235+1G>T. This variant destroys a canonical splice donor site and is predicted to cause abnormal gene splicing, leading to either an abnormal message that is subject to nonsense-mediated mRNA decay or to an abnormal protein product. This variant has been reported in at least one individual with familial breast cancer including a history of male breast cancer (Meindl 2002). Based on the current evidence, we consider this variant to be pathogenic.

Literature cited by the submitters: PubMed 11802209 (cited by Women's Health and Genetics/Laboratory Corporation of America, LabCorp).